The following is an entry in ClinVar:

ClinVar aggregate classification (germline): Uncertain significance (1 of 4 stars; one submission).

Submission:

Labcorp Genetics (formerly Invitae), Labcorp
Classification: Uncertain significance. Last evaluated: 2023-08-27. Review status: criteria provided, single submitter. Criteria: Invitae Variant Classification Sherloc (09022015). Collection method: clinical testing. Allele origin: germline.
Comment: In summary, the available evidence is currently insufficient to determine the role of this variant in disease. Therefore, it has been classified as a Variant of Uncertain Significance. This variant has not been reported in the literature in individuals affected with CFB-related conditions. Advanced modeling of protein sequence and biophysical properties (such as structural, functional, and spatial information, amino acid conservation, physicochemical variation, residue mobility, and thermodynamic stability) performed at Invitae indicates that this missense variant is not expected to disrupt CFB protein function. This variant is not present in population databases (gnomAD no frequency). This sequence change replaces proline, which is neutral and non-polar, with serine, which is neutral and polar, at codon 678 of the CFB protein (p.Pro678Ser).

NM_001710.6(CFB):c.2032C>T (p.Pro678Ser)

Gene: CFB (complement factor B; plus strand). Cytogenetic location: 6p21.33.
Variant type: single nucleotide variant.
Coding change: c.2032C>T on transcript NM_001710.6 (MANE Select); coding-DNA position 2032, C replaced by T.
Protein change: p.Pro678Ser; replaces proline 678 with serine.
Molecular consequence: missense variant.
Genome position (GRCh38, 1-based): chr6:31,951,416, C>T. VCF-style: chr6-31951416-C-T. GRCh37 (hg19) VCF-style: chr6-31919193-C-T.
Other names: short protein forms P678S.
Identifiers: ClinVar variation 2755683 (VCV002755683.3), dbSNP rs2482714809, ClinGen allele CA363412618.